The following is an entry in ClinVar:

ClinVar aggregate classification (germline): Likely pathogenic (1 of 4 stars; one submission).

Conditions:
Cerebral arteriopathy, autosomal dominant, with subcortical infarcts and leukoencephalopathy, type 1 (CADASIL1). Also called: CADASIL 1; CASIL; Cerebral arteriopathy with subcortical infarcts and leukoencephalopathy 1; DEMENTIA, HEREDITARY MULTIINFARCT TYPE. Identifiers: Orphanet 136, MedGen C4551768, MONDO:0000914, OMIM 125310.

Submission:

Acupuncture, Moxibustion and Neurology Department, Guang'anmen Hospital, China Academy of Chinese Medical Sciences
Classification: Likely pathogenic for Cerebral arteriopathy, autosomal dominant, with subcortical infarcts and leukoencephalopathy, type 1. Last evaluated: 2025-07-08. Review status: criteria provided, single submitter. Criteria: ACMG Guidelines, 2015. Collection method: provider interpretation. Allele origin: germline. Inheritance: Autosomal dominant inheritance. Affected: yes. Observed: 1 heterozygote.
Comment: This variant (NM_000435.3:c.3313G>T, p.Gly1105Cys) in the NOTCH3 gene is a novel missense change that results in a glycine-to-cysteine substitution located within exon 20 of a highly conserved EGF-like repeat domain. This region is critical for maintaining the structural integrity of the receptor, and the gain or loss of a cysteine residue in these repeats is a well-established pathogenic mechanism in CADASIL. These conditions are typically inherited in an autosomal dominant (AD) manner, and a single pathogenic variant is theoretically sufficient to cause disease. According to the HGMDpro database, this specific variant c.3313G>T has not been previously reported. Based on the ACMG guidelines, the variant is classified as Likely Pathogenic, supported by the following criteria: PM1 (Strong): The variant is located in a mutational hot spot and/or critical functional domain (i.e., within an EGF-like repeat of NOTCH3 containing a conserved cysteine residue), and is a non-conservative cysteine substitution; PM2 (Supporting): Absent from population databases; PP4: The patient's phenotype and diagnosis are highly specific for a disease with a single genetic etiology. Therefore, this variant is considered likely pathogenic based on current evidence.

Literature cited by the submitters: PubMed 24844136.

NM_000435.3(NOTCH3):c.3313G>T (p.Gly1105Cys)

Gene: NOTCH3 (notch receptor 3; minus strand). Cytogenetic location: 19p13.12.
Variant type: single nucleotide variant.
Coding change: c.3313G>T on transcript NM_000435.3 (MANE Select); coding-DNA position 3313, G replaced by T.
Protein change: p.Gly1105Cys; replaces glycine 1105 with cysteine.
Molecular consequence: missense variant.
Genome position (GRCh38, 1-based): chr19:15,180,086, C>A on the plus strand (G>T on the coding strand, the complement: NOTCH3 is on the minus strand). VCF-style: chr19-15180086-C-A. GRCh37 (hg19) VCF-style: chr19-15290897-C-A.
Other names: p.G1105C; short protein forms G1105C.
Identifiers: ClinVar variation 4056504 (VCV004056504.1).
Genomic context (GRCh38, chr19:15,180,086, plus strand): 5'-AAGCATGCCCACCTCCTCTTCCCTCTCCTGGGGAGCGCCCCCTTACCTCACACATGTAGC[C>A]CCCCATATAGCCACGGCAGGTCCCCCCATGCTGGCAGGGCTGGGCCAAGCAGGGGTCCAC-3'
Protein context (NP_000426.2, residues 1095-1115): HGGTCRGYMG[Gly1105Cys]YMCECLPGYN